The following is an entry in ClinVar:

ClinVar aggregate classification (germline): Pathogenic/Likely pathogenic. Review status: criteria provided, multiple submitters, no conflicts (2 of 4 stars). 3 submissions from 3 submitters: Pathogenic (1); Likely pathogenic (2). Last evaluated 2025-08-01.

Conditions:
Oculocerebrofacial syndrome, Kaufman type. Also called: Blepharophimosis-ptosis-intellectual disability syndrome. Identifiers: Orphanet 2707, MedGen C1855663, MONDO:0009485, OMIM 244450.

Allele frequency attached by ClinVar (database versions not stated): ExAC 0.00001; gnomAD exomes 0.00002; gnomAD 0.00001; TOPMed 0.00001.
gnomAD v4.1: 25 of 1,614,056 alleles (0.0015%); highest among the groups gnomAD compares: Non-Finnish European, 0.0019%; no homozygotes.

Submissions (3):

Labcorp Genetics (formerly Invitae), Labcorp
Classification: Pathogenic. Last evaluated: 2025-08-01. Review status: criteria provided, single submitter. Criteria: Invitae Variant Classification Sherloc (09022015). Collection method: clinical testing. Allele origin: germline.
Comment: This sequence change creates a premature translational stop signal (p.Gln244*) in the UBE3B gene. It is expected to result in an absent or disrupted protein product. Loss-of-function variants in UBE3B are known to be pathogenic (PMID: 23687348, 24615390). This variant is present in population databases (rs750360032, gnomAD 0.004%). This variant has not been reported in the literature in individuals affected with UBE3B-related conditions. ClinVar contains an entry for this variant (Variation ID: 817523). Algorithms developed to predict the effect of sequence changes on RNA splicing suggest that this variant may disrupt the consensus splice site. For these reasons, this variant has been classified as Pathogenic.

GeneDx
Classification: Likely pathogenic. Last evaluated: 2019-02-01. Review status: criteria provided, single submitter. Criteria: GeneDx Variant Classification (06012015). Collection method: clinical testing. Allele origin: germline. Affected: yes.
Comment: The Q244X variant in the UBE3B gene has not been reported previously as a pathogenic variant nor as a benign variant, to our knowledge. This variant is predicted to cause loss of normal protein function either through protein truncation or nonsense-mediated mRNA decay. The Q244X variant is observed in 4/111,606 (0.004%) alleles from individuals of non-Finnish European background in large population cohorts (Lek et al., 2016). We interpret Q244X as a likely pathogenic variant.

Institute of Human Genetics, University Hospital of Duesseldorf
Classification: Likely pathogenic for Oculocerebrofacial syndrome, Kaufman type. Review status: criteria provided, single submitter. Criteria: ACMG Guidelines, 2015. Collection method: not provided. Allele origin: germline. Inheritance: Autosomal recessive inheritance. Affected: yes.

Literature cited by the submitters: PubMed 23687348 (cited by Labcorp Genetics (formerly Invitae), Labcorp); PubMed 24615390 (cited by Labcorp Genetics (formerly Invitae), Labcorp).

NM_130466.4(UBE3B):c.730C>T (p.Gln244Ter)

Gene: UBE3B (ubiquitin protein ligase E3B; plus strand). Cytogenetic location: 12q24.11.
Variant type: single nucleotide variant.
Coding change: c.730C>T on transcript NM_130466.4 (MANE Select); coding-DNA position 730, C replaced by T.
Protein change: p.Gln244Ter; replaces glutamine 244 with a stop codon.
Molecular consequence: nonsense.
Genome position (GRCh38, 1-based): chr12:109,497,834, C>T. VCF-style: chr12-109497834-C-T. GRCh37 (hg19) VCF-style: chr12-109935639-C-T.
Other names: c.730C>T, p.Gln244Ter (NM_183415.3); short protein forms Q244*.
Identifiers: ClinVar variation 817523 (VCV000817523.3), dbSNP rs750360032, ClinGen allele CA6777670.